The following is an entry in ClinVar:

NM_001029896.2(WDR45):c.380_382del (p.Ser127del)

Gene: WDR45 (WD repeat domain 45; minus strand). Cytogenetic location: Xp11.23.
Variant type: Deletion.
Coding change: c.380_382del on transcript NM_001029896.2 (MANE Select); coding-DNA positions 380 to 382, 3 bases deleted (CCT; older notation c.380_382delCCT).
Protein change: p.Ser127del; deletes serine 127.
Molecular consequence: inframe deletion.
Genome position (GRCh38, 1-based): chrX:49,076,484-49,076,486, AGG deleted on the plus strand (CCT on the coding strand, the reverse complement: WDR45 is on the minus strand); deleting any 3 consecutive bases within chrX:49,076,484-49,076,488 gives the same sequence; the c. name uses the placement nearest the transcript's 3' end. VCF-style (leftmost placement, unchanged base first): chrX-49076483-AAGG-A. GRCh37 (hg19) VCF-style: chrX-48934142-AAGG-A.
Other names: c.383_385del, p.Ser128del (NM_007075.4); short protein forms S127del, S128del.
Identifiers: ClinVar variation 1491319 (VCV001491319.8), dbSNP rs2147816288, ClinGen allele CA2573158955.

ClinVar aggregate classification (germline): Likely pathogenic (1 of 4 stars; one submission).

Conditions:
Neurodegeneration with brain iron accumulation 5 (NBIA5). Also called: Beta-propeller protein-associated neurodegeneration; STATIC ENCEPHALOPATHY OF CHILDHOOD WITH NEURODEGENERATION IN ADULTHOOD. Identifiers: Orphanet 329284, MedGen C3550973, MONDO:0010476, OMIM 300894.

Submission:

Labcorp Genetics (formerly Invitae), Labcorp
Classification: Likely pathogenic for Neurodegeneration with brain iron accumulation 5. Last evaluated: 2022-08-10. Review status: criteria provided, single submitter. Criteria: Invitae Variant Classification Sherloc (09022015). Collection method: clinical testing. Allele origin: germline.
Comment: This variant has been observed in individual(s) with clinical features of WDR45-related conditions (Invitae). In at least one individual the variant was observed to be de novo. This variant, c.383_385del, results in the deletion of 1 amino acid(s) of the WDR45 protein (p.Ser128del), but otherwise preserves the integrity of the reading frame. This variant is not present in population databases (gnomAD no frequency). ClinVar contains an entry for this variant (Variation ID: 1491319). Experimental studies and prediction algorithms are not available or were not evaluated, and the functional significance of this variant is currently unknown. In summary, the currently available evidence indicates that the variant is pathogenic, but additional data are needed to prove that conclusively. Therefore, this variant has been classified as Likely Pathogenic.